The following is an entry in ClinVar:

ClinVar aggregate classification (germline): Uncertain significance (1 of 4 stars; one submission).

Submission:

Labcorp Genetics (formerly Invitae), Labcorp
Classification: Uncertain significance. Last evaluated: 2022-12-13. Review status: criteria provided, single submitter. Criteria: Invitae Variant Classification Sherloc (09022015). Collection method: clinical testing. Allele origin: germline.
Comment: In summary, the available evidence is currently insufficient to determine the role of this variant in disease. Therefore, it has been classified as a Variant of Uncertain Significance. Advanced modeling of protein sequence and biophysical properties (such as structural, functional, and spatial information, amino acid conservation, physicochemical variation, residue mobility, and thermodynamic stability) performed at Invitae indicates that this missense variant is not expected to disrupt SPTBN2 protein function. This variant has not been reported in the literature in individuals affected with SPTBN2-related conditions. This variant is not present in population databases (gnomAD no frequency). This sequence change replaces histidine, which is basic and polar, with glutamine, which is neutral and polar, at codon 1645 of the SPTBN2 protein (p.His1645Gln).

NM_006946.4(SPTBN2):c.4935C>G (p.His1645Gln)

Gene: SPTBN2 (spectrin beta, non-erythrocytic 2; minus strand). Cytogenetic location: 11q13.2.
Variant type: single nucleotide variant.
Coding change: c.4935C>G on transcript NM_006946.4 (MANE Select); coding-DNA position 4935, C replaced by G.
Protein change: p.His1645Gln; replaces histidine 1645 with glutamine.
Molecular consequence: missense variant.
Genome position (GRCh38, 1-based): chr11:66,693,020, G>C on the plus strand (C>G on the coding strand, the complement: SPTBN2 is on the minus strand). VCF-style: chr11-66693020-G-C. GRCh37 (hg19) VCF-style: chr11-66460491-G-C.
Other names: c.4956C>G, p.His1652Gln (NM_001411025.1); short protein forms H1645Q, H1652Q.
Identifiers: ClinVar variation 2814120 (VCV002814120.3), dbSNP rs148929469, ClinGen allele CA381468544.
Genomic context (GRCh38, chr11:66,693,020, plus strand): 5'-CTGCACCCACCTCTCTGGGTGCTCGTGGTCAATCATGTCCTGGCTGCTGGCCGCCAGCTG[G>C]TGGATGGTCTGCGCGTAGTCGGCCAGGGCTTGCTCCAGCACCTGGTGCTTCTTCACCTCT-3'
Protein context (NP_008877.2, residues 1635-1655): QALADYAQTI[His1645Gln]QLAASSQDMI